The following is an entry in ClinVar:

ClinVar aggregate classification (germline): Uncertain significance (1 of 4 stars; one submission).

Allele frequency attached by ClinVar (database versions not stated): ExAC 0.00001; gnomAD exomes 0.00001; TOPMed 0.00002; gnomAD 0.00006; 1000 Genomes Project 30x 0.00016; 1000 Genomes Project 0.00020.

Submission:

Labcorp Genetics (formerly Invitae), Labcorp
Classification: Uncertain significance. Last evaluated: 2024-06-06. Review status: criteria provided, single submitter. Criteria: Invitae Variant Classification Sherloc (09022015). Collection method: clinical testing. Allele origin: germline.
Comment: This sequence change replaces arginine, which is basic and polar, with cysteine, which is neutral and slightly polar, at codon 2608 of the DCHS1 protein (p.Arg2608Cys). This variant is present in population databases (rs570466551, gnomAD 0.006%). This variant has not been reported in the literature in individuals affected with DCHS1-related conditions. Advanced modeling of protein sequence and biophysical properties (such as structural, functional, and spatial information, amino acid conservation, physicochemical variation, residue mobility, and thermodynamic stability) performed at Invitae indicates that this missense variant is not expected to disrupt DCHS1 protein function with a negative predictive value of 80%. In summary, the available evidence is currently insufficient to determine the role of this variant in disease. Therefore, it has been classified as a Variant of Uncertain Significance.

NM_003737.4(DCHS1):c.7822C>T (p.Arg2608Cys)

Gene: DCHS1 (dachsous cadherin-related 1; minus strand). Cytogenetic location: 11p15.4.
Variant type: single nucleotide variant.
Coding change: c.7822C>T on transcript NM_003737.4 (MANE Select); coding-DNA position 7822, C replaced by T.
Protein change: p.Arg2608Cys; replaces arginine 2608 with cysteine.
Molecular consequence: missense variant.
Genome position (GRCh38, 1-based): chr11:6,623,854, G>A on the plus strand (C>T on the coding strand, the complement: DCHS1 is on the minus strand). VCF-style: chr11-6623854-G-A. GRCh37 (hg19) VCF-style: chr11-6645085-G-A.
Other names: short protein forms R2608C.
Identifiers: ClinVar variation 3013653 (VCV003013653.3), dbSNP rs570466551, ClinGen allele CA5859537.